The following is an entry in ClinVar:

NM_199355.4(ADAMTS18):c.550del (p.Leu184fs)

Gene: ADAMTS18 (ADAM metallopeptidase with thrombospondin type 1 motif 18; minus strand). Cytogenetic location: 16q23.1.
Variant type: Deletion.
Coding change: c.550del on transcript NM_199355.4 (MANE Select); coding-DNA position 550, one base deleted (C; older notation c.550delC).
Protein change: p.Leu184fs; shifts the reading frame from leucine 184.
Molecular consequence: frameshift variant.
Genome position (GRCh38, 1-based): chr16:77,367,669, G deleted on the plus strand (C on the coding strand, the reverse complement: ADAMTS18 is on the minus strand). VCF-style (leftmost placement, unchanged base first): chr16-77367668-AG-A. GRCh37 (hg19) VCF-style: chr16-77401565-AG-A.
Other names: c.30del, p.Phe11fs (NM_001326358.2); short protein forms F11fs, L184fs.
Identifiers: ClinVar variation 3651398 (VCV003651398.2).

ClinVar aggregate classification (germline): Pathogenic (1 of 4 stars; one submission).

Submission:

Labcorp Genetics (formerly Invitae), Labcorp
Classification: Pathogenic. Last evaluated: 2024-05-03. Review status: criteria provided, single submitter. Criteria: Invitae Variant Classification Sherloc (09022015). Collection method: clinical testing. Allele origin: germline.
Comment: This sequence change creates a premature translational stop signal (p.Leu184Phefs*88) in the ADAMTS18 gene. It is expected to result in an absent or disrupted protein product. Loss-of-function variants in ADAMTS18 are known to be pathogenic (PMID: 23818446, 24874986). This variant is not present in population databases (gnomAD no frequency). This variant has not been reported in the literature in individuals affected with ADAMTS18-related conditions. Algorithms developed to predict the effect of sequence changes on RNA splicing suggest that this variant may create or strengthen a splice site. For these reasons, this variant has been classified as Pathogenic.

Literature cited by the submitters: PubMed 23818446; PubMed 24874986.